The following is an entry in ClinVar:

NM_201384.3(PLEC):c.4805C>G (p.Ala1602Gly)

Gene: PLEC (plectin; minus strand). Cytogenetic location: 8q24.3.
Variant type: single nucleotide variant.
Coding change: c.4805C>G on transcript NM_201384.3 (MANE Select); coding-DNA position 4805, C replaced by G.
Protein change: p.Ala1602Gly; replaces alanine 1602 with glycine.
Molecular consequence: missense variant.
Genome position (GRCh38, 1-based): chr8:143,925,124, G>C on the plus strand (C>G on the coding strand, the complement: PLEC is on the minus strand). VCF-style: chr8-143925124-G-C. GRCh37 (hg19) VCF-style: chr8-144999292-G-C.
Other names: c.4886C>G, p.Ala1629Gly (NM_000445.5); c.4763C>G, p.Ala1588Gly (NM_201378.4); c.4739C>G, p.Ala1580Gly (NM_201379.3); c.5216C>G, p.Ala1739Gly (NM_201380.4); c.4709C>G, p.Ala1570Gly (NM_201381.3); c.4805C>G, p.Ala1602Gly (NM_201382.4); c.4817C>G, p.Ala1606Gly (NM_201383.3); short protein forms A1602G, A1629G, A1739G, A1588G, A1570G, A1580G, A1606G.
Identifiers: ClinVar variation 1376717 (VCV001376717.6), dbSNP rs1554700810, ClinGen allele CA372552822.
Genomic context (GRCh38, chr8:143,925,124, plus strand): 5'-CGCTCGGCCTCGGCCTGCTGCTGTGCCCGCCGCTCAGCCTCCTCCCGCAGCTGTGCCACA[G>C]CCACGTGTTCCTCCTGCAGGGAGCGCTCCAGCTGTGCCGTCTTCTCGGCGAAGGAGGCGC-3'
Protein context (NP_958786.1, residues 1592-1612): LERSLQEEHV[Ala1602Gly]VAQLREEAER

ClinVar aggregate classification (germline): Uncertain significance (1 of 4 stars; one submission).

Conditions:
Epidermolysis bullosa simplex 5B, with muscular dystrophy (EBS5B). Also called: Epidermolysis bullosa simplex with muscular dystrophy; EPIDERMOLYSIS BULLOSA SIMPLEX AND LIMB-GIRDLE MUSCULAR DYSTROPHY. Identifiers: Orphanet 257, MedGen C2931072, MONDO:0009181, OMIM 226670.
Epidermolysis bullosa simplex, Ogna type (EBS5A). Also called: Pidermolysis bullosa simplex 5A, Ogna type; EPIDERMOLYSIS BULLOSA SIMPLEX 5A, OGNA TYPE. Identifiers: Orphanet 79401, MedGen C0432317, MONDO:0007555, OMIM 131950.
Autosomal recessive limb-girdle muscular dystrophy type 2Q (LGMDR17). Also called: MUSCULAR DYSTROPHY, LIMB-GIRDLE, AUTOSOMAL RECESSIVE 17. Identifiers: Orphanet 254361, MedGen C3150989, MONDO:0013390, OMIM 613723.
Epidermolysis bullosa simplex with nail dystrophy (EBS5D). Identifiers: MedGen C4225309, MONDO:0014661, OMIM 616487.
Epidermolysis bullosa simplex 5C, with pyloric atresia (EBS5C). Also called: Epidermolysis bullosa simplex with pyloric atresia; PLEC-Related Epidermolysis Bullosa with Pyloric Atresia; PLEC1-Related Epidermolysis Bullosa with Pyloric Atresia. Identifiers: Orphanet 158684, MedGen C2677349, MONDO:0012807, OMIM 612138.

gnomAD v4.1: 2 of 1,557,962 alleles (0.00013%); highest among the groups gnomAD compares: Non-Finnish European, 0.00017%; no homozygotes.

Submission:

Labcorp Genetics (formerly Invitae), Labcorp
Classification: Uncertain significance for Autosomal recessive limb-girdle muscular dystrophy type 2Q; Epidermolysis bullosa simplex, Ogna type; Epidermolysis bullosa simplex with nail dystrophy; Epidermolysis bullosa simplex 5C, with pyloric atresia; Epidermolysis bullosa simplex 5B, with muscular dystrophy. Last evaluated: 2022-07-12. Review status: criteria provided, single submitter. Criteria: Invitae Variant Classification Sherloc (09022015). Collection method: clinical testing. Allele origin: germline.
Comment: ClinVar contains an entry for this variant (Variation ID: 1376717). This variant has not been reported in the literature in individuals affected with PLEC-related conditions. This variant is not present in population databases (gnomAD no frequency). This sequence change replaces alanine, which is neutral and non-polar, with glycine, which is neutral and non-polar, at codon 1629 of the PLEC protein (p.Ala1629Gly). In summary, the available evidence is currently insufficient to determine the role of this variant in disease. Therefore, it has been classified as a Variant of Uncertain Significance. Algorithms developed to predict the effect of sequence changes on RNA splicing suggest that this variant may create or strengthen a splice site. Algorithms developed to predict the effect of missense changes on protein structure and function are either unavailable or do not agree on the potential impact of this missense change (SIFT: "Tolerated"; PolyPhen-2: "Not Available"; Align-GVGD: "Class C0").